The following is an entry in ClinVar:

ClinVar aggregate classification (germline): Uncertain significance (1 of 4 stars; one submission).

Allele frequency attached by ClinVar (database versions not stated): gnomAD 0.00001; gnomAD exomes 0.00001 and 0.00006; TOPMed 0.00003; ExAC 0.00007.
gnomAD v4.1: 15 of 1,613,932 alleles (0.00093%); highest among the groups gnomAD compares: East Asian, 0.022%; no homozygotes.

Submission:

Labcorp Genetics (formerly Invitae), Labcorp
Classification: Uncertain significance. Last evaluated: 2024-10-25. Review status: criteria provided, single submitter. Criteria: Invitae Variant Classification Sherloc (09022015). Collection method: clinical testing. Allele origin: germline.
Comment: This sequence change replaces glutamic acid, which is acidic and polar, with lysine, which is basic and polar, at codon 689 of the ADAMTS18 protein (p.Glu689Lys). This variant is present in population databases (rs397515467, gnomAD 0.08%). This variant has not been reported in the literature in individuals affected with ADAMTS18-related conditions. ClinVar contains an entry for this variant (Variation ID: 1380238). An algorithm developed to predict the effect of missense changes on protein structure and function (PolyPhen-2) suggests that this variant is likely to be disruptive. In summary, the available evidence is currently insufficient to determine the role of this variant in disease. Therefore, it has been classified as a Variant of Uncertain Significance.

NM_199355.4(ADAMTS18):c.2065G>A (p.Glu689Lys)

Gene: ADAMTS18 (ADAM metallopeptidase with thrombospondin type 1 motif 18; minus strand). Cytogenetic location: 16q23.1.
Variant type: single nucleotide variant.
Coding change: c.2065G>A on transcript NM_199355.4 (MANE Select); coding-DNA position 2065, G replaced by A.
Protein change: p.Glu689Lys; replaces glutamic acid 689 with lysine.
Molecular consequence: missense variant.
Genome position (GRCh38, 1-based): chr16:77,322,434, C>T on the plus strand (G>A on the coding strand, the complement: ADAMTS18 is on the minus strand). VCF-style: chr16-77322434-C-T. GRCh37 (hg19) VCF-style: chr16-77356331-C-T.
Other names: c.1549G>A, p.Glu517Lys (NM_001326358.2); short protein forms E689K, E517K.
Identifiers: ClinVar variation 1380238 (VCV001380238.8), dbSNP rs397515467, ClinGen allele CA8181062.
Genomic context (GRCh38, chr16:77,322,434, plus strand): 5'-GGGAGCAGGGAGTTCCATCTTTCACTTTGCCGGACATTGCAAAAAAAAATTCAAAGTTCT[C>T]AGCCTTGCAGTACAGTTTGCATCGATCTTCCTCTAGAAACAAAGAGATCAAGATAGGAAA-3'
Protein context (NP_955387.1, residues 679-699): EDRCKLYCKA[Glu689Lys]NFEFFFAMSG